The following is an entry in ClinVar:

ClinVar aggregate classification (germline): Likely benign (1 of 4 stars; one submission).

Submission:

GeneDx
Classification: Likely benign. Last evaluated: 2017-10-05. Review status: criteria provided, single submitter. Criteria: GeneDx Variant Classification (06012015). Collection method: clinical testing. Allele origin: germline. Affected: yes.
Comment: This variant is considered likely benign or benign based on one or more of the following criteria: it is a conservative change, it occurs at a poorly conserved position in the protein, it is predicted to be benign by multiple in silico algorithms, and/or has population frequency not consistent with disease.

NM_005629.4(SLC6A8):c.267G>A (p.Val89=)

Gene: SLC6A8 (solute carrier family 6 member 8; plus strand). Cytogenetic location: Xq28.
Variant type: single nucleotide variant.
Coding change: c.267G>A on transcript NM_005629.4 (MANE Select); coding-DNA position 267, G replaced by A.
Protein change: p.Val89=; no amino-acid change (valine 89 retained).
Molecular consequence: synonymous variant. On other transcripts: 5 prime UTR variant (1).
Genome position (GRCh38, 1-based): chrX:153,690,379, G>A. VCF-style: chrX-153690379-G-A. GRCh37 (hg19) VCF-style: chrX-152955834-G-A.
Other names: c.267G>A, p.Val89= (NM_001142805.2); c.-79G>A (NM_001142806.1).
Identifiers: ClinVar variation 512081 (VCV000512081.1), dbSNP rs1557044166, ClinGen allele CA519184632.